The following is an entry in ClinVar:

ClinVar aggregate classification (germline): Uncertain significance (1 of 4 stars; one submission).

Conditions:
Brachyolmia-amelogenesis imperfecta syndrome. Also called: PLATYSPONDYLY WITH AMELOGENESIS IMPERFECTA; Tooth agenesis, selective, 6; Dental anomalies and short stature. Identifiers: Orphanet 2899, MedGen C1832594, MONDO:0011018, OMIM 601216. Disease mechanism: loss of function.

gnomAD v4.1: 4 of 1,599,410 alleles (0.00025%); highest among the groups gnomAD compares: Admixed American, 0.0017%; no homozygotes.

Submission:

Labcorp Genetics (formerly Invitae), Labcorp
Classification: Uncertain significance for Brachyolmia-amelogenesis imperfecta syndrome. Last evaluated: 2022-02-22. Review status: criteria provided, single submitter. Criteria: Invitae Variant Classification Sherloc (09022015). Collection method: clinical testing. Allele origin: germline.
Comment: In summary, the available evidence is currently insufficient to determine the role of this variant in disease. Therefore, it has been classified as a Variant of Uncertain Significance. This sequence change replaces lysine, which is basic and polar, with arginine, which is basic and polar, at codon 63 of the LTBP3 protein (p.Lys63Arg). This variant is not present in population databases (gnomAD no frequency). This variant has not been reported in the literature in individuals affected with LTBP3-related conditions. Algorithms developed to predict the effect of missense changes on protein structure and function are either unavailable or do not agree on the potential impact of this missense change (SIFT: "Deleterious"; PolyPhen-2: "Probably Damaging"; Align-GVGD: "Class C0").

NM_001130144.3(LTBP3):c.188A>G (p.Lys63Arg)

Gene: LTBP3 (latent transforming growth factor beta binding protein 3; minus strand). Cytogenetic location: 11q13.1.
Variant type: single nucleotide variant.
Coding change: c.188A>G on transcript NM_001130144.3 (MANE Select); coding-DNA position 188, A replaced by G.
Protein change: p.Lys63Arg; replaces lysine 63 with arginine.
Molecular consequence: missense variant. On other transcripts: 5 prime UTR variant (1).
Genome position (GRCh38, 1-based): chr11:65,557,772, T>C on the plus strand (A>G on the coding strand, the complement: LTBP3 is on the minus strand). VCF-style: chr11-65557772-T-C. GRCh37 (hg19) VCF-style: chr11-65325243-T-C.
Other names: c.-160A>G (NM_001164266.1); c.188A>G, p.Lys63Arg (NM_021070.4); short protein forms K63R.
Identifiers: ClinVar variation 1947837 (VCV001947837.5), dbSNP rs1420631583, ClinGen allele CA381278302.
Genomic context (GRCh38, chr11:65,557,772, plus strand): 5'-CTGTCCCGACACTGGCCCTTGAGACAGGTCCGCTTGCAGATCACCGGCGCAAAGACCACC[T>C]TGAAGCGCTCGCGGGCCAGCGCCCCGCCCCCGCCTGCGCCCCGCTCGCCGGCCGGCCCCC-3'
Protein context (NP_001123616.1, residues 53-73): GGGALARERF[Lys63Arg]VVFAPVICKR